The following is an entry in ClinVar:

NM_001100913.3(PACS2):c.1547C>T (p.Thr516Met)

Gene: PACS2 (phosphofurin acidic cluster sorting protein 2; plus strand). Cytogenetic location: 14q32.33.
Variant type: single nucleotide variant.
Coding change: c.1547C>T on transcript NM_001100913.3 (MANE Select); coding-DNA position 1547, C replaced by T.
Protein change: p.Thr516Met; replaces threonine 516 with methionine.
Molecular consequence: missense variant.
Genome position (GRCh38, 1-based): chr14:105,382,835, C>T. VCF-style: chr14-105382835-C-T. GRCh37 (hg19) VCF-style: chr14-105849172-C-T.
Other names: c.1310C>T, p.Thr437Met (NM_001243127.3); c.1535C>T, p.Thr512Met (NM_015197.4); short protein forms T516M, T437M, T512M.
Identifiers: ClinVar variation 4707715 (VCV004707715.1).

ClinVar aggregate classification (germline): Uncertain significance (1 of 4 stars; one submission).

gnomAD v4.1: 19 of 1,604,874 alleles (0.0012%); highest among the groups gnomAD compares: South Asian, 0.0077%; no homozygotes.

Submission:

Labcorp Genetics (formerly Invitae), Labcorp
Classification: Uncertain significance. Last evaluated: 2025-09-03. Review status: criteria provided, single submitter. Criteria: Invitae Variant Classification Sherloc (09022015). Collection method: clinical testing. Allele origin: germline.
Comment: This sequence change replaces threonine, which is neutral and polar, with methionine, which is neutral and non-polar, at codon 516 of the PACS2 protein (p.Thr516Met). This variant is present in population databases (rs782149744, gnomAD 0.01%). This variant has not been reported in the literature in individuals affected with PACS2-related conditions. Invitae Evidence Modeling of protein sequence and biophysical properties (such as structural, functional, and spatial information, amino acid conservation, physicochemical variation, residue mobility, and thermodynamic stability) indicates that this missense variant is not expected to disrupt PACS2 protein function with a negative predictive value of 80%. In summary, the available evidence is currently insufficient to determine the role of this variant in disease. Therefore, it has been classified as a Variant of Uncertain Significance.